The following is an entry in ClinVar:

NM_152564.5(VPS13B):c.2808C>T (p.Asp936=)

Gene: VPS13B (vacuolar protein sorting 13 homolog B; plus strand). Cytogenetic location: 8q22.2.
Variant type: single nucleotide variant.
Coding change: c.2808C>T on transcript NM_152564.5 (MANE Select); coding-DNA position 2808, C replaced by T.
Protein change: p.Asp936=; no amino-acid change (aspartic acid 936 retained).
Molecular consequence: synonymous variant.
Genome position (GRCh38, 1-based): chr8:99,275,238, C>T. VCF-style: chr8-99275238-C-T. GRCh37 (hg19) VCF-style: chr8-100287466-C-T.
Other names: c.2808C>T, p.Asp936= (NM_017890.5); c.2808C>T (NM_152564.4).
Identifiers: ClinVar variation 1107643 (VCV001107643.12), dbSNP rs377174760, ClinGen allele CA4823023.

ClinVar aggregate classification (germline): Likely benign. Review status: criteria provided, multiple submitters, no conflicts (2 of 4 stars). 3 submissions from 3 submitters: Likely benign (2). 1 of the submissions does not count toward it. Last evaluated 2025-10-07.

Conditions:
Cohen syndrome (COH1). Also called: Cutis verticis gyrata, retinitis pigmentosa, and sensorineural deafness; PEPPER SYNDROME. Identifiers: Orphanet 193, MedGen C0265223, MONDO:0008999, OMIM 216550.
VPS13B-related disorder. Also called: VPS13B-related condition.
Inborn genetic diseases. Identifiers: MedGen C0950123, MeSH D030342.

Allele frequency attached by ClinVar (database versions not stated): ExAC 0.00002; gnomAD exomes 0.00002 and 0.00005; TOPMed 0.00002; gnomAD 0.00003; ESP Exome Variant Server 0.00008.
gnomAD v4.1: 75 of 1,608,090 alleles (0.0047%); highest among the groups gnomAD compares: Non-Finnish European, 0.0057%; no homozygotes.

Submissions (3):

Labcorp Genetics (formerly Invitae), Labcorp
Classification: Likely benign for Cohen syndrome. Last evaluated: 2025-10-07. Review status: criteria provided, single submitter. Criteria: Invitae Variant Classification Sherloc (09022015). Collection method: clinical testing. Allele origin: germline.

Ambry Genetics
Classification: Likely benign for Inborn genetic diseases. Last evaluated: 2019-06-14. Review status: criteria provided, single submitter. Criteria: Ambry Variant Classification Scheme 2023. Collection method: clinical testing. Allele origin: germline.

PreventionGenetics, part of Exact Sciences
Classification: Likely benign for VPS13B-related condition. Last evaluated: 2021-10-28. Review status: no assertion criteria provided. Collection method: clinical testing. Allele origin: germline. Not counted in ClinVar's aggregate classification.
Comment: This variant is classified as likely benign based on ACMG/AMP sequence variant interpretation guidelines (Richards et al. 2015 PMID: 25741868, with internal and published modifications).